The following is an entry in ClinVar:

NM_001458.5(FLNC):c.1346C>T (p.Thr449Ile)

Gene: FLNC (filamin C; plus strand). Cytogenetic location: 7q32.1.
Variant type: single nucleotide variant.
Coding change: c.1346C>T on transcript NM_001458.5 (MANE Select); coding-DNA position 1346, C replaced by T.
Protein change: p.Thr449Ile; replaces threonine 449 with isoleucine.
Molecular consequence: missense variant.
Genome position (GRCh38, 1-based): chr7:128,838,738, C>T. VCF-style: chr7-128838738-C-T. GRCh37 (hg19) VCF-style: chr7-128478792-C-T.
Other names: c.1346C>T, p.Thr449Ile (NM_001127487.2); short protein forms T449I.
Identifiers: ClinVar variation 1311766 (VCV001311766.2), dbSNP rs1212113149, ClinGen allele CA369224962.

ClinVar aggregate classification (germline): Uncertain significance (1 of 4 stars; one submission).

Submission:

GeneDx
Classification: Uncertain significance. Last evaluated: 2020-01-08. Review status: criteria provided, single submitter. Criteria: GeneDx Variant Classification Process June 2021. Collection method: clinical testing. Allele origin: germline. Affected: yes.
Comment: Has not been previously published as pathogenic or benign to our knowledge; In silico analysis, which includes protein predictors and evolutionary conservation, supports a deleterious effect